The following is an entry in ClinVar:

ClinVar aggregate classification (germline): Uncertain significance (1 of 4 stars; one submission).

Conditions:
Hypothyroidism, congenital, nongoitrous, 8. Identifiers: MedGen C5231395, MONDO:0026731, OMIM 301033.

Allele frequency attached by ClinVar (database versions not stated): gnomAD exomes below 0.00001.
gnomAD v4.1: 1 of 1,211,073 alleles (0.000083%); highest among the groups gnomAD compares: South Asian, 0.0018%; no homozygotes.

Submission:

SIB Swiss Institute of Bioinformatics
Classification: Uncertain significance for Hypothyroidism, congenital, nongoitrous, 8. Last evaluated: 2020-02-14. Review status: criteria provided, single submitter. Criteria: ACMG Guidelines, 2015. Collection method: curation. Allele origin: unknown.
Comment: This variant is interpreted as a variant of uncertain significance for Hypothyroidism, congenital, non-goitrous, 8, X-linked. The following ACMG Tag(s) were applied: PM2, PP3.

Literature cited by the submitters: PubMed 27603907.

NM_005647.4(TBL1X):c.1249G>A (p.Ala417Thr)

Gene: TBL1X (transducin beta like 1 X-linked; plus strand). Cytogenetic location: Xp22.2.
Variant type: single nucleotide variant.
Coding change: c.1249G>A on transcript NM_005647.4 (MANE Select); coding-DNA position 1249, G replaced by A.
Protein change: p.Ala417Thr; replaces alanine 417 with threonine.
Molecular consequence: missense variant.
Genome position (GRCh38, 1-based): chrX:9,709,260, G>A. VCF-style: chrX-9709260-G-A. GRCh37 (hg19) VCF-style: chrX-9677300-G-A.
Other names: c.1249G>A, p.Ala417Thr (NM_001139466.1); c.1096G>A, p.Ala366Thr (NM_001139467.1, NM_001139468.1); short protein forms A417T, A366T.
Identifiers: ClinVar variation 870340 (VCV000870340.1), dbSNP rs2083229730, ClinGen allele CA411985750.